The following is an entry in ClinVar:

ClinVar aggregate classification (germline): Conflicting classifications of pathogenicity. Review status: criteria provided, conflicting classifications (1 of 4 stars). 2 submissions from 2 submitters: Uncertain significance (1); Likely benign (1). Last evaluated 2024-06-05.

Conditions:
Hereditary cancer-predisposing syndrome. Also called: Neoplastic Syndromes, Hereditary; Hereditary Cancer Syndrome; Hereditary neoplastic syndrome; Tumor predisposition. Identifiers: Orphanet 140162, MedGen C0027672, MeSH D009386, MONDO:0015356.

Allele frequency attached by ClinVar (database versions not stated): gnomAD exomes below 0.00001; ExAC 0.00001.
gnomAD v4.1: 1 of 1,612,858 alleles (0.000062%); highest among the groups gnomAD compares: Non-Finnish European, 0.000085%; no homozygotes.

Submissions (2):

Ambry Genetics
Classification: Likely benign for Hereditary cancer-predisposing syndrome. Last evaluated: 2024-06-05. Review status: criteria provided, single submitter. Criteria: Ambry Variant Classification Scheme 2023. Collection method: clinical testing. Allele origin: germline.

Labcorp Genetics (formerly Invitae), Labcorp
Classification: Uncertain significance. Last evaluated: 2022-12-02. Review status: criteria provided, single submitter. Criteria: Invitae Variant Classification Sherloc (09022015). Collection method: clinical testing. Allele origin: germline.
Comment: In summary, the available evidence is currently insufficient to determine the role of this variant in disease. Therefore, it has been classified as a Variant of Uncertain Significance. Advanced modeling of protein sequence and biophysical properties (such as structural, functional, and spatial information, amino acid conservation, physicochemical variation, residue mobility, and thermodynamic stability) performed at Invitae indicates that this missense variant is not expected to disrupt POLE protein function. ClinVar contains an entry for this variant (Variation ID: 540719). This variant has not been reported in the literature in individuals affected with POLE-related conditions. This variant is present in population databases (rs747935432, gnomAD 0.0009%). This sequence change replaces threonine, which is neutral and polar, with alanine, which is neutral and non-polar, at codon 449 of the POLE protein (p.Thr449Ala).

NM_006231.4(POLE):c.1345A>G (p.Thr449Ala)

Gene: POLE (DNA polymerase epsilon, catalytic subunit; minus strand). Cytogenetic location: 12q24.33.
Variant type: single nucleotide variant.
Coding change: c.1345A>G on transcript NM_006231.4 (MANE Select); coding-DNA position 1345, A replaced by G.
Protein change: p.Thr449Ala; replaces threonine 449 with alanine.
Molecular consequence: missense variant.
Genome position (GRCh38, 1-based): chr12:132,673,589, T>C on the plus strand (A>G on the coding strand, the complement: POLE is on the minus strand). VCF-style: chr12-132673589-T-C. GRCh37 (hg19) VCF-style: chr12-133250175-T-C.
Other names: c.1345A>G (NM_006231.2); short protein forms T449A.
Identifiers: ClinVar variation 540719 (VCV000540719.7), dbSNP rs747935432, ClinGen allele CA6894000.
Genomic context (GRCh38, chr12:132,673,589, plus strand): 5'-ATGCGTGCACACGGCAGCAGGGGCAGCCGGGATGTGGCTTACGTGCCTGGGGCTGCTCCG[T>C]GGCCATCCGGCACATGTCCTCCGGGTCTAGCTCCACGGGATCATAGCCTAGCTTGGCCTT-3'
Protein context (NP_006222.2, residues 439-459): LDPEDMCRMA[Thr449Ala]EQPQTLATYS